The following is an entry in ClinVar:

NM_000709.4(BCKDHA):c.1233delinsGTGTATCAGGTGTATCAGGTGTATCAG (p.Asp411fs)

Gene: BCKDHA (branched chain keto acid dehydrogenase E1 subunit alpha; plus strand). Cytogenetic location: 19q13.2.
Variant type: Indel.
Coding change: c.1233delinsGTGTATCAGGTGTATCAGGTGTATCAG on transcript NM_000709.4 (MANE Select); coding-DNA position 1233, C replaced by GTGTATCAGGTGTATCAGGTGTATCAG.
Protein change: p.Asp411fs; shifts the reading frame from aspartic acid 411.
Molecular consequence: frameshift variant.
Genome position (GRCh38, 1-based): chr19:41,424,503, C replaced by GTGTATCAGGTGTATCAGGTGTATCAG. VCF-style: chr19-41424503-C-GTGTATCAGGTGTATCAGGTGTATCAG. GRCh37 (hg19) VCF-style: chr19-41930408-C-GTGTATCAGGTGTATCAGGTGTATCAG.
Other names: c.1230delinsGTGTATCAGGTGTATCAGGTGTATCAG, p.Asp410fs (NM_001164783.2); short protein forms D410fs, D411fs.
Identifiers: ClinVar variation 5004107 (VCV005004107.1).

ClinVar aggregate classification (germline): Pathogenic (1 of 4 stars; one submission).

Conditions:
Maple syrup urine disease type 1A (MSUD1A). Also called: MSUD type 1A. Identifiers: MedGen C1855369, MONDO:0023691, OMIM 248600.

Submission:

Myriad Genetics, Inc.
Classification: Pathogenic for Maple syrup urine disease type 1A. Last evaluated: 2025-08-08. Review status: criteria provided, single submitter. Criteria: Myriad Autosomal Dominant, Autosomal Recessive and X-Linked Classification Criteria (2023). Collection method: clinical testing. Allele origin: unknown.
Comment: NM_000709.3(BCKDHA):c.1233del1ins27(D411Efs*83) is a frameshift variant that results in protein elongation classified as pathogenic in the context of maple syrup urine disease type Ia. D411Efs*83 has been observed in a case with relevant disease (PMID: 16786533). Relevant functional assessments of this variant are not available in the literature. D411Efs*83 has not been observed in referenced population frequency databases. In summary, NM_000709.3(BCKDHA):c.1233del1ins27(D411Efs*83) is a frameshift variant that results in protein elongation in a gene where loss of function is a known mechanism of disease, is predicted to disrupt protein function, and has been observed more frequently in cases with the relevant disease than in healthy populations. Please note: this variant was assessed in the context of healthy population screening.

Literature cited by the submitters: PubMed 16786533.